The following is an entry in ClinVar:

NM_003072.5(SMARCA4):c.4171-1786C>A

Gene: SMARCA4 (SWI/SNF related BAF chromatin remodeling complex subunit ATPase 4; plus strand). Cytogenetic location: 19p13.2.
Variant type: single nucleotide variant.
Coding change: c.4171-1786C>A on transcript NM_003072.5 (MANE Select); 1786 bases into the intron before coding-DNA position 4171, C replaced by A.
Molecular consequence: intron variant. On other transcripts: missense variant (1).
Genome position (GRCh38, 1-based): chr19:11,039,521, C>A. VCF-style: chr19-11039521-C-A. GRCh37 (hg19) VCF-style: chr19-11150197-C-A.
Other names: c.4234C>A, p.Arg1412Ser (NM_001128849.3); c.4171-1786C>A (NM_001128844.3); c.4072-1786C>A (NM_001128847.4, NM_001374457.1, NM_001128848.2); c.4072-1777C>A (NM_001128845.2, NM_001128846.2); short protein forms R1412S.
Identifiers: ClinVar variation 824704 (VCV000824704.6), dbSNP rs747852149, ClinGen allele CA404071655.

ClinVar aggregate classification (germline): Uncertain significance. Review status: criteria provided, multiple submitters, no conflicts (2 of 4 stars). 2 submissions from 2 submitters: Uncertain significance (2). Last evaluated 2025-11-22.

Conditions:
Rhabdoid tumor predisposition syndrome 2 (RTPS2). Identifiers: Orphanet 231108, Orphanet 69077, MedGen C2750074, MONDO:0013224, OMIM 613325.
Hereditary cancer-predisposing syndrome. Also called: Neoplastic Syndromes, Hereditary; Tumor predisposition; Hereditary neoplastic syndrome; Hereditary Cancer Syndrome. Identifiers: Orphanet 140162, MedGen C0027672, MeSH D009386, MONDO:0015356.

gnomAD v4.1: 1 of 1,602,412 alleles (0.000062%); highest among the groups gnomAD compares: Admixed American, 0.0017%; no homozygotes.

Submissions (2):

Labcorp Genetics (formerly Invitae), Labcorp
Classification: Uncertain significance for Rhabdoid tumor predisposition syndrome 2. Last evaluated: 2025-11-22. Review status: criteria provided, single submitter. Criteria: Invitae Variant Classification Sherloc (09022015). Collection method: clinical testing. Allele origin: germline.
Comment: This sequence change replaces arginine, which is basic and polar, with serine, which is neutral and polar, at codon 1412 of the SMARCA4 protein (p.Arg1412Ser). This variant is not present in population databases (gnomAD no frequency). This variant has not been reported in the literature in individuals affected with SMARCA4-related conditions. ClinVar contains an entry for this variant (Variation ID: 824704). An algorithm developed to predict the effect of missense changes on protein structure and function (PolyPhen-2) suggests that this variant is likely to be tolerated. In summary, the available evidence is currently insufficient to determine the role of this variant in disease. Therefore, it has been classified as a Variant of Uncertain Significance.

Ambry Genetics
Classification: Uncertain significance for Hereditary cancer-predisposing syndrome. Last evaluated: 2022-11-28. Review status: criteria provided, single submitter. Criteria: Ambry Variant Classification Scheme 2023. Collection method: clinical testing. Allele origin: germline.
Comment: The p.R1412S variant (also known as c.4234C>A), located in coding exon 29 of the SMARCA4 gene, results from a C to A substitution at nucleotide position 4234. The arginine at codon 1412 is replaced by serine, an amino acid with dissimilar properties. In addition, this alteration is predicted to be tolerated by in silico analysis. Missense and in-frame variants in SMARCA4 are known to cause neurodevelopmental disorders; however, such associations with rhabdoid tumor predisposition syndrome including small cell carcinoma of the ovary-hypercalcemic type (SCCOHT) are exceedingly rare (Kosho T et al. Am J Med Genet C Semin Med Genet. 2014 Sep;166C(3):262-75; Jelinic P et al. Nat Genet. 2014 May;46(5):424-6). Based on the supporting evidence, the association of this alteration with Coffin-Siris syndrome is unknown; however, the association of this alteration with rhabdoid tumor predisposition syndrome is unlikely.